The following is an entry in ClinVar:

NM_001042432.2(CLN3):c.646A>G (p.Met216Val)

Gene: CLN3 (CLN3 lysosomal/endosomal transmembrane protein, battenin; minus strand). Cytogenetic location: 16p12.1.
Variant type: single nucleotide variant.
Coding change: c.646A>G on transcript NM_001042432.2 (MANE Select); coding-DNA position 646, A replaced by G.
Protein change: p.Met216Val; replaces methionine 216 with valine.
Molecular consequence: missense variant.
Genome position (GRCh38, 1-based): chr16:28,486,378, T>C on the plus strand (A>G on the coding strand, the complement: CLN3 is on the minus strand). VCF-style: chr16-28486378-T-C. GRCh37 (hg19) VCF-style: chr16-28497699-T-C.
Other names: c.646A>G, p.Met216Val (NM_000086.2); c.574A>G, p.Met192Val (NM_001286104.2); c.346A>G, p.Met116Val (NM_001286105.2); c.412A>G, p.Met138Val (NM_001286109.2); c.484A>G, p.Met162Val (NM_001286110.2); short protein forms M192V, M116V, M138V, M216V, M162V.
Identifiers: ClinVar variation 1419305 (VCV001419305.5), dbSNP rs2046218124, ClinGen allele CA395345229.

ClinVar aggregate classification (germline): Uncertain significance (1 of 4 stars; one submission).

Conditions:
Neuronal ceroid lipofuscinosis. Also called: Neuronal Ceroid Lipofuscinoses. Identifiers: Orphanet 216, Orphanet 79263, MedGen C0027877, MONDO:0016295. Disease mechanism: loss of function.

Allele frequency attached by ClinVar (database versions not stated): gnomAD exomes below 0.00001.
gnomAD v4.1: 4 of 1,612,802 alleles (0.00025%); highest among the groups gnomAD compares: East Asian, 0.0022%; no homozygotes.

Submission:

Labcorp Genetics (formerly Invitae), Labcorp
Classification: Uncertain significance for Neuronal ceroid lipofuscinosis. Last evaluated: 2021-09-17. Review status: criteria provided, single submitter. Criteria: Invitae Variant Classification Sherloc (09022015). Collection method: clinical testing. Allele origin: germline.
Comment: This sequence change replaces methionine with valine at codon 216 of the CLN3 protein (p.Met216Val). The methionine residue is highly conserved and there is a small physicochemical difference between methionine and valine. This variant is not present in population databases (ExAC no frequency). This variant has not been reported in the literature in individuals with CLN3-related disease. Algorithms developed to predict the effect of missense changes on protein structure and function do not agree on the potential impact of this missense change (SIFT: "Tolerated"; PolyPhen-2: "Probably Damaging"; Align-GVGD: "Class C0"). In summary, the available evidence is currently insufficient to determine the role of this variant in disease. Therefore, it has been classified as a Variant of Uncertain Significance.